The following is an entry in ClinVar:

NM_000517.6(HBA2):c.169A>T (p.Lys57Ter)

Genes: HBA2 (hemoglobin subunit alpha 2; plus strand), LOC106804612 (hemoglobin subunit alpha 2 recombination region; plus strand). Cytogenetic location: 16p13.3.
Variant type: single nucleotide variant.
Coding change: c.169A>T on transcript NM_000517.6 (MANE Select); coding-DNA position 169, A replaced by T.
Protein change: p.Lys57Ter; replaces lysine 57 with a stop codon.
Molecular consequence: nonsense.
Genome position (GRCh38, 1-based): chr16:173,198, A>T. VCF-style: chr16-173198-A-T. GRCh37 (hg19) VCF-style: chr16-223197-A-T.
Other names: short protein forms K57*.
Identifiers: ClinVar variation 4818632 (VCV004818632.1).
Genomic context (GRCh38, chr16:173,198, plus strand): 5'-TTCCCCACCACCAAGACCTACTTCCCGCACTTCGACCTGAGCCACGGCTCTGCCCAGGTT[A>T]AGGGCCACGGCAAGAAGGTGGCCGACGCGCTGACCAACGCCGTGGCGCACGTGGACGACA-3'

ClinVar aggregate classification (germline): Likely pathogenic (1 of 4 stars; one submission).

Conditions:
alpha Thalassemia. Also called: Alpha thalassemia spectrum. Identifiers: Orphanet 846, MedGen C0002312, MONDO:0011399, OMIM 604131.

Submission:

Natera, Inc.
Classification: Likely pathogenic for Alpha thalassemia. Last evaluated: 2025-12-03. Review status: criteria provided, single submitter. Criteria: Natera Variant Classification Schema (03/2026). Collection method: clinical testing. Allele origin: germline.
Comment: The c.169A>T variant in HBA2 is a nonsense variant predicted to introduce a stop codon at amino acid 57. This variant is expected to result in nonsense mediated decay, truncation, or a dysfunctional protein product. This variant is rare in the general population with a frequency below the threshold expected for the associated phenotype(s). Given the available evidence, this variant is classified as Likely Pathogenic.